The following is an entry in ClinVar:

NM_000834.5(GRIN2B):c.4141C>T (p.Arg1381Trp)

Gene: GRIN2B (glutamate ionotropic receptor NMDA type subunit 2B; minus strand). Cytogenetic location: 12p13.1.
Variant type: single nucleotide variant.
Coding change: c.4141C>T on transcript NM_000834.5 (MANE Select); coding-DNA position 4141, C replaced by T.
Protein change: p.Arg1381Trp; replaces arginine 1381 with tryptophan.
Molecular consequence: missense variant.
Genome position (GRCh38, 1-based): chr12:13,563,097, G>A on the plus strand (C>T on the coding strand, the complement: GRIN2B is on the minus strand). VCF-style: chr12-13563097-G-A. GRCh37 (hg19) VCF-style: chr12-13716031-G-A.
Other names: c.4141C>T, p.Arg1381Trp (NM_001413992.1); short protein forms R1381W.
Identifiers: ClinVar variation 4793688 (VCV004793688.1).

ClinVar aggregate classification (germline): Uncertain significance (1 of 4 stars; one submission).

Conditions:
Developmental and epileptic encephalopathy, 27 (DEE27). Also called: Epileptic encephalopathy, early infantile, 27; GRIN2B-Related Neurodevelopmental Disorder. Identifiers: Orphanet 3451, MedGen C4015316, MONDO:0014505, OMIM 616139.
Intellectual developmental disorder, autosomal dominant 6, with or without seizures. Also called: Intellectual disability, autosomal dominant 6; GRIN2B-related developmental delay, intellectual disability and autism spectrum disorder. Identifiers: Orphanet 589547, MedGen C3151411, MONDO:0013509, OMIM 613970.

gnomAD v4.1: 6 of 1,614,058 alleles (0.00037%); highest among the groups gnomAD compares: East Asian, 0.0022%; no homozygotes.

Submission:

Labcorp Genetics (formerly Invitae), Labcorp
Classification: Uncertain significance for Developmental and epileptic encephalopathy, 27; Intellectual developmental disorder, autosomal dominant 6, with or without seizures. Last evaluated: 2025-04-02. Review status: criteria provided, single submitter. Criteria: Invitae Variant Classification Sherloc (09022015). Collection method: clinical testing. Allele origin: germline.
Comment: This sequence change replaces arginine, which is basic and polar, with tryptophan, which is neutral and slightly polar, at codon 1381 of the GRIN2B protein (p.Arg1381Trp). This variant is not present in population databases (gnomAD no frequency). This variant has not been reported in the literature in individuals affected with GRIN2B-related conditions. Invitae Evidence Modeling of protein sequence and biophysical properties (such as structural, functional, and spatial information, amino acid conservation, physicochemical variation, residue mobility, and thermodynamic stability) indicates that this missense variant is not expected to disrupt GRIN2B protein function with a negative predictive value of 95%. In summary, the available evidence is currently insufficient to determine the role of this variant in disease. Therefore, it has been classified as a Variant of Uncertain Significance.